The following is an entry in ClinVar:

NM_006929.5(SKIC2):c.3056G>A (p.Arg1019His)

Gene: SKIC2 (SKI2 subunit of superkiller complex; plus strand). Cytogenetic location: 6p21.33.
Variant type: single nucleotide variant.
Coding change: c.3056G>A on transcript NM_006929.5 (MANE Select); coding-DNA position 3056, G replaced by A.
Protein change: p.Arg1019His; replaces arginine 1019 with histidine.
Molecular consequence: missense variant.
Genome position (GRCh38, 1-based): chr6:31,968,525, G>A. VCF-style: chr6-31968525-G-A. GRCh37 (hg19) VCF-style: chr6-31936302-G-A.
Other names: short protein forms R1019H.
Identifiers: ClinVar variation 1478786 (VCV001478786.5), dbSNP rs1772960085, ClinGen allele CA363482076.

ClinVar aggregate classification (germline): Uncertain significance (1 of 4 stars; one submission).

Allele frequency attached by ClinVar (database versions not stated): TOPMed below 0.00001.
gnomAD v4.1: 3 of 1,612,424 alleles (0.00019%); highest among the groups gnomAD compares: Middle Eastern, 0.016%; no homozygotes.

Submission:

Labcorp Genetics (formerly Invitae), Labcorp
Classification: Uncertain significance. Last evaluated: 2021-08-14. Review status: criteria provided, single submitter. Criteria: Invitae Variant Classification Sherloc (09022015). Collection method: clinical testing. Allele origin: germline.
Comment: This sequence change replaces arginine with histidine at codon 1019 of the SKIV2L protein (p.Arg1019His). The arginine residue is highly conserved and there is a small physicochemical difference between arginine and histidine. This variant is not present in population databases (ExAC no frequency). This variant has not been reported in the literature in individuals affected with SKIV2L-related conditions. Algorithms developed to predict the effect of missense changes on protein structure and function are either unavailable or do not agree on the potential impact of this missense change (SIFT: "Deleterious"; PolyPhen-2: "Benign"; Align-GVGD: "Class C0"). In summary, the available evidence is currently insufficient to determine the role of this variant in disease. Therefore, it has been classified as a Variant of Uncertain Significance.